The following is an entry in ClinVar:

NM_004006.3(DMD):c.3143A>G (p.Asn1048Ser)

Gene: DMD (dystrophin; minus strand). Cytogenetic location: Xp21.1.
Variant type: single nucleotide variant.
Coding change: c.3143A>G on transcript NM_004006.3 (MANE Select); coding-DNA position 3143, A replaced by G.
Protein change: p.Asn1048Ser; replaces asparagine 1048 with serine.
Molecular consequence: missense variant.
Genome position (GRCh38, 1-based): chrX:32,468,517, T>C on the plus strand (A>G on the coding strand, the complement: DMD is on the minus strand). VCF-style: chrX-32468517-T-C. GRCh37 (hg19) VCF-style: chrX-32486634-T-C.
Other names: c.3119A>G, p.Asn1040Ser (NM_000109.4); c.3131A>G, p.Asn1044Ser (NM_004009.3); c.2774A>G, p.Asn925Ser (NM_004010.3); short protein forms N1048S, N1040S, N1044S, N925S.
Identifiers: ClinVar variation 1438996 (VCV001438996.7), dbSNP rs367906493, ClinGen allele CA328004626.
Genomic context (GRCh38, chrX:32,468,517, plus strand): 5'-AGTAAATAAAAATGAGGGTAGAAAGTAAAATCTTGAATTACCTGAATTTTTCGGAGTTTA[T>C]TCATTTGCTCCTCTAGCTTTTGACAATGCTCAACCAGCTGGGAGGAGAGCTTCTTCCAGC-3'
Protein context (NP_003997.2, residues 1038-1058): EHCQKLEEQM[Asn1048Ser]KLRKIQNHIQ

ClinVar aggregate classification (germline): Uncertain significance (1 of 4 stars; one submission).

Conditions:
Duchenne muscular dystrophy (DMD). Also called: Duchenne Muscular Dystrophy (DMD); MUSCULAR DYSTROPHY, PSEUDOHYPERTROPHIC PROGRESSIVE, DUCHENNE TYPE. Identifiers: Orphanet 98896, MedGen C0013264, MONDO:0010679, OMIM 310200.

Allele frequency attached by ClinVar (database versions not stated): gnomAD exomes below 0.00001.
gnomAD v4.1: 2 of 1,208,036 alleles (0.00017%); highest among the groups gnomAD compares: Non-Finnish European, 0.00011%; no homozygotes.

Submission:

Labcorp Genetics (formerly Invitae), Labcorp
Classification: Uncertain significance for Duchenne muscular dystrophy. Last evaluated: 2025-12-03. Review status: criteria provided, single submitter. Criteria: Invitae Variant Classification Sherloc (09022015). Collection method: clinical testing. Allele origin: germline.
Comment: This sequence change replaces asparagine, which is neutral and polar, with serine, which is neutral and polar, at codon 1048 of the DMD protein (p.Asn1048Ser). This variant is not present in population databases (gnomAD no frequency). This variant has not been reported in the literature in individuals affected with DMD-related conditions. ClinVar contains an entry for this variant (Variation ID: 1438996). Invitae Evidence Modeling of protein sequence and biophysical properties (such as structural, functional, and spatial information, amino acid conservation, physicochemical variation, residue mobility, and thermodynamic stability) indicates that this missense variant is not expected to disrupt DMD protein function with a negative predictive value of 95%. In summary, the available evidence is currently insufficient to determine the role of this variant in disease. Therefore, it has been classified as a Variant of Uncertain Significance.